The following is an entry in ClinVar:

ClinVar aggregate classification (germline): Uncertain significance (1 of 4 stars; one submission).

Allele frequency attached by ClinVar (database versions not stated): ExAC 0.00006; gnomAD exomes 0.00015; TOPMed 0.00016; gnomAD 0.00038 and 0.00042.
gnomAD v4.1: 293 of 1,389,198 alleles (0.021%); highest among the groups gnomAD compares: Non-Finnish European, 0.02%; no homozygotes.

Submission:

Labcorp Genetics (formerly Invitae), Labcorp
Classification: Uncertain significance. Last evaluated: 2025-04-13. Review status: criteria provided, single submitter. Criteria: Invitae Variant Classification Sherloc (09022015). Collection method: clinical testing. Allele origin: germline.
Comment: This sequence change replaces glutamine, which is neutral and polar, with arginine, which is basic and polar, at codon 289 of the FAM20C protein (p.Gln289Arg). This variant is present in population databases (rs747702836, gnomAD 0.1%). This variant has not been reported in the literature in individuals affected with FAM20C-related conditions. ClinVar contains an entry for this variant (Variation ID: 1422575). An algorithm developed to predict the effect of missense changes on protein structure and function (PolyPhen-2) suggests that this variant is likely to be disruptive. In summary, the available evidence is currently insufficient to determine the role of this variant in disease. Therefore, it has been classified as a Variant of Uncertain Significance.

NM_020223.4(FAM20C):c.866A>G (p.Gln289Arg)

Gene: FAM20C (FAM20C golgi associated secretory pathway kinase; plus strand). Cytogenetic location: 7p22.3.
Variant type: single nucleotide variant.
Coding change: c.866A>G on transcript NM_020223.4 (MANE Select); coding-DNA position 866, A replaced by G.
Protein change: p.Gln289Arg; replaces glutamine 289 with arginine.
Molecular consequence: missense variant.
Genome position (GRCh38, 1-based): chr7:246,417, A>G. VCF-style: chr7-246417-A-G. GRCh37 (hg19) VCF-style: chr7-286383-A-G.
Other names: short protein forms Q289R.
Identifiers: ClinVar variation 1422575 (VCV001422575.5), dbSNP rs747702836, ClinGen allele CA4109071.